The following is an entry in ClinVar:

ClinVar aggregate classification (germline): Uncertain significance (1 of 4 stars; one submission).

Conditions:
ABCA7-related disorder. Also called: ABCA7-related condition.

Submission:

PreventionGenetics, part of Exact Sciences
Classification: Uncertain significance for ABCA7-related condition. Last evaluated: 2025-09-09. Review status: criteria provided, single submitter. Criteria: ACMG Guidelines, 2015. Collection method: clinical testing. Allele origin: germline.
Comment: The ABCA7 c.5260C>T variant is predicted to result in premature protein termination (p.Arg1754*). This variant was reported in an individual with mild cognitive impairment (MCI, Table S6, Küçükali et al. 2023. PubMed ID: 36464806) and in an individual with behavioral variant frontotemporal dementia (bvFTD, Li et al. 2024. PubMed ID: 38701145). This variant is reported in 0.044% of alleles in individuals of African descent in gnomAD. Although we suspect that this variant may be pathogenic, at this time, the clinical significance of this variant is uncertain due to the absence of conclusive functional and genetic evidence.

NM_019112.4(ABCA7):c.5260C>T (p.Arg1754Ter)

Gene: ABCA7 (ATP binding cassette subfamily A member 7; plus strand). Cytogenetic location: 19p13.3.
Variant type: single nucleotide variant.
Coding change: c.5260C>T on transcript NM_019112.4 (MANE Select); coding-DNA position 5260, C replaced by T.
Protein change: p.Arg1754Ter; replaces arginine 1754 with a stop codon.
Molecular consequence: nonsense.
Genome position (GRCh38, 1-based): chr19:1,058,728, C>T. VCF-style: chr19-1058728-C-T. GRCh37 (hg19) VCF-style: chr19-1058727-C-T.
Other names: short protein forms R1754*.
Identifiers: ClinVar variation 3358042 (VCV003358042.2).
Genomic context (GRCh38, chr19:1,058,728, plus strand): 5'-CTCTTGGCCATGGTGATACAGGGGCCCCTCTTCCTTCTCTTCACACTACTGCTGCAGCAC[C>T]GAAGCCAACTCCTGCCACAGTTAGTGAGGTCTATGGAGAGGGTGGCAGGGGCCAAGGACC-3'